The following is an entry in ClinVar:

NM_001128840.3(CACNA1D):c.1534A>C (p.Asn512His)

Gene: CACNA1D (calcium voltage-gated channel subunit alpha1 D; plus strand). Cytogenetic location: 3p21.1.
Variant type: single nucleotide variant.
Coding change: c.1534A>C on transcript NM_001128840.3 (MANE Select); coding-DNA position 1534, A replaced by C.
Protein change: p.Asn512His; replaces asparagine 512 with histidine.
Molecular consequence: missense variant.
Genome position (GRCh38, 1-based): chr3:53,722,342, A>C. VCF-style: chr3-53722342-A-C. GRCh37 (hg19) VCF-style: chr3-53756369-A-C.
Other names: c.1594A>C, p.Asn532His (NM_000720.4); c.1534A>C, p.Asn512His (NM_001128839.3); short protein forms N512H, N532H.
Identifiers: ClinVar variation 3695638 (VCV003695638.2).

ClinVar aggregate classification (germline): Uncertain significance (1 of 4 stars; one submission).

gnomAD v4.1: 5 of 1,614,250 alleles (0.00031%); highest among the groups gnomAD compares: Non-Finnish European, 0.00034%; no homozygotes.

Submission:

Labcorp Genetics (formerly Invitae), Labcorp
Classification: Uncertain significance. Last evaluated: 2024-10-08. Review status: criteria provided, single submitter. Criteria: Invitae Variant Classification Sherloc (09022015). Collection method: clinical testing. Allele origin: germline.
Comment: This sequence change replaces asparagine, which is neutral and polar, with histidine, which is basic and polar, at codon 532 of the CACNA1D protein (p.Asn532His). This variant is not present in population databases (gnomAD no frequency). This variant has not been reported in the literature in individuals affected with CACNA1D-related conditions. Invitae Evidence Modeling of protein sequence and biophysical properties (such as structural, functional, and spatial information, amino acid conservation, physicochemical variation, residue mobility, and thermodynamic stability) indicates that this missense variant is not expected to disrupt CACNA1D protein function with a negative predictive value of 80%. In summary, the available evidence is currently insufficient to determine the role of this variant in disease. Therefore, it has been classified as a Variant of Uncertain Significance.